The following is an entry in ClinVar:

NM_018489.3(ASH1L):c.3871C>A (p.Leu1291Met)

Gene: ASH1L (ASH1 like histone lysine methyltransferase; minus strand). Cytogenetic location: 1q22.
Variant type: single nucleotide variant.
Coding change: c.3871C>A on transcript NM_018489.3 (MANE Select); coding-DNA position 3871, C replaced by A.
Protein change: p.Leu1291Met; replaces leucine 1291 with methionine.
Molecular consequence: missense variant.
Genome position (GRCh38, 1-based): chr1:155,478,999, G>T on the plus strand (C>A on the coding strand, the complement: ASH1L is on the minus strand). VCF-style: chr1-155478999-G-T. GRCh37 (hg19) VCF-style: chr1-155448790-G-T.
Other names: c.3871C>A (NM_018489.2); c.3871C>A, p.Leu1291Met (NM_001366177.2); short protein forms L1291M.
Identifiers: ClinVar variation 3376204 (VCV003376204.2).

ClinVar aggregate classification (germline): Uncertain significance. Review status: criteria provided, multiple submitters, no conflicts (2 of 4 stars). 2 submissions from 2 submitters: Uncertain significance (2). Last evaluated 2025-08-21.

Conditions:
Inborn genetic diseases. Identifiers: MedGen C0950123, MeSH D030342.
Intellectual developmental disorder, autosomal dominant 52. Also called: Intellectual disability, autosomal dominant 52; Mental retardation, autosomal dominant 52. Identifiers: MedGen C4540478, MONDO:0030918, OMIM 617796.

gnomAD v4.1: 1 of 1,613,618 alleles (0.000062%); highest among the groups gnomAD compares: Non-Finnish European, 0.000085%; no homozygotes.

Submissions (2):

Ambry Genetics
Classification: Uncertain significance for Inborn genetic diseases. Last evaluated: 2025-08-21. Review status: criteria provided, single submitter. Criteria: Ambry Variant Classification Scheme 2023. Collection method: clinical testing. Allele origin: germline.

Pittsburgh Clinical Genomics Laboratory, University of Pittsburgh Medical Center
Classification: Uncertain significance for Intellectual developmental disorder, autosomal dominant 52. Last evaluated: 2022-09-27. Review status: criteria provided, single submitter. Criteria: ACMG Guidelines, 2015. Collection method: clinical testing. Allele origin: germline. Inheritance: Autosomal dominant inheritance. Affected: yes.
Comment: This sequence variant is a single nucleotide substitution (C>A) at coding position 3871 of the ASH1L gene that results in a leucine to methionine amino acid change at residue 1291 of the ASH1L protein. This variant is absent from online datasets of clinically annotated variants (ClinVar) and has not been reported in the literature, to our knowledge. This variant is present in 1 of 250,962 alleles (0.0004%) in the gnomAD control population dataset. Multiple bioinformatic tools predict that this leucine to methionine amino acid change would be damaging, and the leucine residue at this position is strongly conserved across the vertebrate species examined. Studies examining the functiol consequence of this variant have not been published, to our knowledge. At this time, there is insufficient evidence to determine if this variant is pathogenic or benign. Therefore, we consider this a variant of uncertain significance. ACMG Criteria: BP1, PM2, PP3